The following is an entry in ClinVar:

NM_001378615.1(CC2D2A):c.4762G>A (p.Val1588Ile)

Genes: CC2D2A (coiled-coil and C2 domain containing 2A; plus strand), FBXL5 (F-box and leucine rich repeat protein 5; minus strand). Cytogenetic location: 4p15.32.
Variant type: single nucleotide variant.
Coding change: c.4762G>A on transcript NM_001378615.1 (MANE Select); coding-DNA position 4762, G replaced by A.
Protein change: p.Val1588Ile; replaces valine 1588 with isoleucine.
Molecular consequence: missense variant.
Genome position (GRCh38, 1-based): chr4:15,601,324, G>A. VCF-style: chr4-15601324-G-A. GRCh37 (hg19) VCF-style: chr4-15602947-G-A.
Other names: c.4762G>A, p.Val1588Ile (NM_001080522.2); c.4615G>A, p.Val1539Ile (NM_001378617.1); short protein forms V1539I, V1588I.
Identifiers: ClinVar variation 1448920 (VCV001448920.3), dbSNP rs1323627048, ClinGen allele CA356436412.
Genomic context (GRCh38, chr4:15,601,324, plus strand): 5'-TATTCTGAAGTGAAGCCTTTAATTGACGCTGTGTATAGTACTGGAGTACATAATATTGAT[G>A]TTCCTAATGTTGAATTTGCTTTAGCTGTATACATACACCCATACCCCAAAAATGTTTTGT-3'
Protein context (NP_001365544.1, residues 1578-1598): VYSTGVHNID[Val1588Ile]PNVEFALAVY

ClinVar aggregate classification (germline): Uncertain significance (1 of 4 stars; one submission).

Conditions:
Joubert syndrome. Also called: JOUBERT-BOLTSHAUSER SYNDROME; Familial aplasia of the vermis. Identifiers: Orphanet 475, MedGen C5979921, MONDO:0018772.
Meckel-Gruber syndrome. Also called: DYSENCEPHALIA SPLANCHNOCYSTICA; GRUBER SYNDROME; Dysencephalia splachnocystica. Identifiers: Orphanet 564, MedGen C0265215, MONDO:0018921.

Allele frequency attached by ClinVar (database versions not stated): gnomAD exomes below 0.00001; gnomAD 0.00003; TOPMed 0.00003.
gnomAD v4.1: 6 of 1,610,492 alleles (0.00037%); highest among the groups gnomAD compares: African/African-American, 0.008%; no homozygotes.

Submission:

Labcorp Genetics (formerly Invitae), Labcorp
Classification: Uncertain significance for Joubert syndrome; Meckel-Gruber syndrome. Last evaluated: 2022-03-09. Review status: criteria provided, single submitter. Criteria: Invitae Variant Classification Sherloc (09022015). Collection method: clinical testing. Allele origin: germline.
Comment: This sequence change replaces valine, which is neutral and non-polar, with isoleucine, which is neutral and non-polar, at codon 1588 of the CC2D2A protein (p.Val1588Ile). This variant is not present in population databases (gnomAD no frequency). This variant has not been reported in the literature in individuals affected with CC2D2A-related conditions. Algorithms developed to predict the effect of missense changes on protein structure and function output the following: SIFT: "Tolerated"; PolyPhen-2: "Benign"; Align-GVGD: "Class C0". The isoleucine amino acid residue is found in multiple mammalian species, which suggests that this missense change does not adversely affect protein function. In summary, the available evidence is currently insufficient to determine the role of this variant in disease. Therefore, it has been classified as a Variant of Uncertain Significance.